The following is an entry in ClinVar:

ClinVar aggregate classification (germline): Uncertain significance. Review status: criteria provided, multiple submitters, no conflicts (2 of 4 stars). 2 submissions from 2 submitters: Uncertain significance (2). Last evaluated 2024-09-26.

Conditions:
Inborn genetic diseases. Identifiers: MedGen C0950123, MeSH D030342.

Allele frequency attached by ClinVar (database versions not stated): gnomAD exomes 0.00001; gnomAD 0.00002; TOPMed 0.00003.
gnomAD v4.1: 17 of 1,612,842 alleles (0.0011%); highest among the groups gnomAD compares: Admixed American, 0.013%; no homozygotes.

Submissions (2):

Ambry Genetics
Classification: Uncertain significance for Inborn genetic diseases. Last evaluated: 2024-09-26. Review status: criteria provided, single submitter. Criteria: Ambry Variant Classification Scheme 2023. Collection method: clinical testing. Allele origin: germline.

Labcorp Genetics (formerly Invitae), Labcorp
Classification: Uncertain significance. Last evaluated: 2022-07-17. Review status: criteria provided, single submitter. Criteria: Invitae Variant Classification Sherloc (09022015). Collection method: clinical testing. Allele origin: germline.
Comment: This sequence change replaces threonine, which is neutral and polar, with methionine, which is neutral and non-polar, at codon 580 of the EXTL3 protein (p.Thr580Met). This variant is present in population databases (no rsID available, gnomAD 0.003%). This variant has not been reported in the literature in individuals affected with EXTL3-related conditions. Algorithms developed to predict the effect of missense changes on protein structure and function are either unavailable or do not agree on the potential impact of this missense change (SIFT: "Deleterious"; PolyPhen-2: "Benign"; Align-GVGD: "Class C0"). In summary, the available evidence is currently insufficient to determine the role of this variant in disease. Therefore, it has been classified as a Variant of Uncertain Significance.

NM_001440.4(EXTL3):c.1739C>T (p.Thr580Met)

Gene: EXTL3 (exostosin like glycosyltransferase 3; plus strand). Cytogenetic location: 8p21.1.
Variant type: single nucleotide variant.
Coding change: c.1739C>T on transcript NM_001440.4 (MANE Select); coding-DNA position 1739, C replaced by T.
Protein change: p.Thr580Met; replaces threonine 580 with methionine.
Molecular consequence: missense variant.
Genome position (GRCh38, 1-based): chr8:28,717,798, C>T. VCF-style: chr8-28717798-C-T. GRCh37 (hg19) VCF-style: chr8-28575315-C-T.
Other names: c.1739C>T (NM_001440.2); short protein forms T580M.
Identifiers: ClinVar variation 1929396 (VCV001929396.3), dbSNP rs923182549, ClinGen allele CA174387594.